The following is an entry in ClinVar:

NM_000051.4(ATM):c.2714G>T (p.Cys905Phe)

Gene: ATM (ATM serine/threonine kinase; plus strand). Cytogenetic location: 11q22.3.
Variant type: single nucleotide variant.
Coding change: c.2714G>T on transcript NM_000051.4 (MANE Select); coding-DNA position 2714, G replaced by T.
Protein change: p.Cys905Phe; replaces cysteine 905 with phenylalanine.
Molecular consequence: missense variant.
Genome position (GRCh38, 1-based): chr11:108,268,485, G>T. VCF-style: chr11-108268485-G-T. GRCh37 (hg19) VCF-style: chr11-108139212-G-T.
Other names: c.2714G>T, p.Cys905Phe (NM_001351834.2); short protein forms C905F.
Identifiers: ClinVar variation 3720443 (VCV003720443.2).

ClinVar aggregate classification (germline): Uncertain significance (1 of 4 stars; one submission).

Conditions:
Ataxia-telangiectasia syndrome (AT). Also called: ATAXIA-TELANGIECTASIA, COMPLEMENTATION GROUP A; ATAXIA-TELANGIECTASIA, FRESNO VARIANT; Ataxia-telangiectasia; Ataxia-telangiectasia, complementation group E; Ataxia telangiectasia (A-T); LOUIS-BAR SYNDROME. Identifiers: Orphanet 100, MedGen C0004135, MONDO:0008840, OMIM 208900.

Submission:

Labcorp Genetics (formerly Invitae), Labcorp
Classification: Uncertain significance for Ataxia-telangiectasia syndrome. Last evaluated: 2025-05-19. Review status: criteria provided, single submitter. Criteria: Invitae Variant Classification Sherloc (09022015). Collection method: clinical testing. Allele origin: germline.
Comment: This sequence change replaces cysteine, which is neutral and slightly polar, with phenylalanine, which is neutral and non-polar, at codon 905 of the ATM protein (p.Cys905Phe). This variant is not present in population databases (gnomAD no frequency). This variant has not been reported in the literature in individuals affected with ATM-related conditions. ClinVar contains an entry for this variant (Variation ID: 3720443). Invitae Evidence Modeling of protein sequence and biophysical properties (such as structural, functional, and spatial information, amino acid conservation, physicochemical variation, residue mobility, and thermodynamic stability) has been performed for this missense variant. However, the output from this modeling did not meet the statistical confidence thresholds required to predict the impact of this variant on ATM protein function. In summary, the available evidence is currently insufficient to determine the role of this variant in disease. Therefore, it has been classified as a Variant of Uncertain Significance.